The following is an entry in ClinVar:

GRCh38/hg38 9p24.3-24.2(chr9:2091331-2715213)x3

Genes: SMARCA2 (SWI/SNF related BAF chromatin remodeling complex subunit ATPase 2; plus strand), VLDLR (very low density lipoprotein receptor; plus strand), VLDLR-AS1 (VLDLR antisense RNA 1; minus strand), LOC110121197 (VISTA enhancer hs1743; plus strand), LOC121740738 (Sharpr-MPRA regulatory region 6053; plus strand) and 9 more. Cytogenetic location: 9p24.3-24.2.
Variant type: copy number gain.
Change: copy number 3 (three copies instead of two) of chr9:2,091,331-2,715,213 (623.9 kb, GRCh38 coordinates, 1-based), cytogenetic band 9p24.3-24.2.
Identifiers: ClinVar variation 4796039 (VCV004796039.1).

ClinVar aggregate classification (germline): Uncertain significance (1 of 4 stars; one submission).

Submission:

Medical Genetic Center, Changzhi Maternal and Child Health Care Hospital
Classification: Uncertain significance. Last evaluated: 2025-12-10. Review status: criteria provided, single submitter. Criteria: ACMG/ClinGen CNV Guidelines, 2019. Collection method: clinical testing. Allele origin: unknown.
Comment: 1A, SMARCA2 partial duplication (NM_003070.5, exon 20-34)